The following is an entry in ClinVar:

ClinVar aggregate classification (germline): Likely pathogenic (1 of 4 stars; one submission).

Allele frequency attached by ClinVar (database versions not stated): TOPMed below 0.00001.

Submission:

Labcorp Genetics (formerly Invitae), Labcorp
Classification: Likely pathogenic. Last evaluated: 2022-07-17. Review status: criteria provided, single submitter. Criteria: Invitae Variant Classification Sherloc (09022015). Collection method: clinical testing. Allele origin: germline.
Comment: This sequence change affects a donor splice site in intron 11 of the CDAN1 gene. It is expected to disrupt RNA splicing. Variants that disrupt the donor or acceptor splice site typically lead to a loss of protein function (PMID: 16199547), and loss-of-function variants in CDAN1 are known to be pathogenic (PMID: 16098079, 16141353). In summary, the currently available evidence indicates that the variant is pathogenic, but additional data are needed to prove that conclusively. Therefore, this variant has been classified as Likely Pathogenic. Algorithms developed to predict the effect of sequence changes on RNA splicing suggest that this variant may disrupt the consensus splice site. This variant has not been reported in the literature in individuals affected with CDAN1-related conditions. This variant is not present in population databases (gnomAD no frequency).

Literature cited by the submitters: PubMed 16199547; PubMed 16098079; PubMed 16141353.

NM_138477.4(CDAN1):c.1739+1G>A

Gene: CDAN1 (codanin 1; minus strand). Cytogenetic location: 15q15.2.
Variant type: single nucleotide variant.
Coding change: c.1739+1G>A on transcript NM_138477.4 (MANE Select); the canonical splice donor site of the intron after coding-DNA position 1739, G replaced by A.
Molecular consequence: splice donor variant.
Genome position (GRCh38, 1-based): chr15:42,731,619, C>T on the plus strand (G>A on the coding strand, the complement: CDAN1 is on the minus strand). VCF-style: chr15-42731619-C-T. GRCh37 (hg19) VCF-style: chr15-43023817-C-T.
Identifiers: ClinVar variation 2418421 (VCV002418421.7), dbSNP rs1371457965, ClinGen allele CA392045383.